The following is an entry in ClinVar:

NM_000045.4(ARG1):c.57+2_57+6del

Gene: ARG1 (arginase 1; plus strand). Cytogenetic location: 6q23.2.
Variant type: Deletion.
Coding change: c.57+2_57+6del on transcript NM_000045.4 (MANE Select); the canonical splice donor site of the intron after coding-DNA position 57 through 6 bases into the intron after coding-DNA position 57, 5 bases deleted (TAAGG; older notation c.57+2_57+6delTAAGG).
Molecular consequence: splice donor variant.
Genome position (GRCh38, 1-based): chr6:131,573,341-131,573,345, TAAGG deleted; deleting any 5 consecutive bases within chr6:131,573,338-131,573,345 gives the same sequence; the c. name uses the placement nearest the transcript's 3' end. VCF-style (leftmost placement, unchanged base first): chr6-131573337-CAGGTA-C. GRCh37 (hg19) VCF-style: chr6-131894477-CAGGTA-C.
Other names: c.57+2_57+6del (NM_001244438.2, NM_001369020.1).
Identifiers: ClinVar variation 1500820 (VCV001500820.6), dbSNP rs1288156431, ClinGen allele CA819009050.

ClinVar aggregate classification (germline): Likely pathogenic (1 of 4 stars; one submission).

Conditions:
Arginase deficiency. Also called: ARGININEMIA; ARG1 DEFICIENCY; Arginase 1 Deficiency. Identifiers: Orphanet 90, MedGen C0268548, MONDO:0008814, OMIM 207800.

Submission:

Labcorp Genetics (formerly Invitae), Labcorp
Classification: Likely pathogenic for Arginase deficiency. Last evaluated: 2022-08-05. Review status: criteria provided, single submitter. Criteria: Invitae Variant Classification Sherloc (09022015). Collection method: clinical testing. Allele origin: germline.
Comment: In summary, the currently available evidence indicates that the variant is pathogenic, but additional data are needed to prove that conclusively. Therefore, this variant has been classified as Likely Pathogenic. Algorithms developed to predict the effect of sequence changes on RNA splicing suggest that this variant may disrupt the consensus splice site. ClinVar contains an entry for this variant (Variation ID: 1500820). This variant has not been reported in the literature in individuals affected with ARG1-related conditions. This variant is not present in population databases (gnomAD no frequency). This sequence change affects a splice site in intron 1 of the ARG1 gene. It is expected to disrupt RNA splicing. Variants that disrupt the donor or acceptor splice site typically lead to a loss of protein function (PMID: 16199547), and loss-of-function variants in ARG1 are known to be pathogenic (PMID: 7649538, 12052859).

Literature cited by the submitters: PubMed 16199547; PubMed 7649538; PubMed 12052859.